The following is an entry in ClinVar:

NM_005629.4(SLC6A8):c.1870G>A (p.Glu624Lys)

Gene: SLC6A8 (solute carrier family 6 member 8; plus strand). Cytogenetic location: Xq28.
Variant type: single nucleotide variant.
Coding change: c.1870G>A on transcript NM_005629.4 (MANE Select); coding-DNA position 1870, G replaced by A.
Protein change: p.Glu624Lys; replaces glutamic acid 624 with lysine.
Molecular consequence: missense variant.
Genome position (GRCh38, 1-based): chrX:153,695,176, G>A. VCF-style: chrX-153695176-G-A. GRCh37 (hg19) VCF-style: chrX-152960631-G-A.
Other names: c.1840G>A, p.Glu614Lys (NM_001142805.2); c.1525G>A, p.Glu509Lys (NM_001142806.1); short protein forms E509K, E614K, E624K.
Identifiers: ClinVar variation 1147494 (VCV001147494.13), dbSNP rs368555229, ClinGen allele CA10549675.

ClinVar aggregate classification (germline): Benign/Likely benign. Review status: criteria provided, multiple submitters, no conflicts (2 of 4 stars). 3 submissions from 3 submitters: Benign (1); Likely benign (2). Last evaluated 2026-07-01.

Conditions:
Creatine transporter deficiency (CCDS1). Also called: Creatine Transporter (CRTR) Deficiency; Mental retardation , X-linked with seizures, short stature and midface hypoplasia; Mental retardation , X-linked, with creatine transport deficiency; X-linked creatine transporter deficiency; X-linked creatine deficiency syndrome; SLC6A8-Related Creatine Transporter Deficiency. Identifiers: Orphanet 52503, MedGen C1845862, MONDO:0010305, OMIM 300352.

Allele frequency attached by ClinVar (database versions not stated): gnomAD exomes 0.00002 and 0.00005; gnomAD 0.00003; TOPMed 0.00003; ExAC 0.00006; ESP Exome Variant Server 0.00009.
gnomAD v4.1: 20 of 1,191,883 alleles (0.0017%); highest among the groups gnomAD compares: Admixed American, 0.0068%; no homozygotes.

Submissions (3):

CeGaT Center for Human Genetics Tuebingen
Classification: Likely benign. Last evaluated: 2026-07-01. Review status: criteria provided, single submitter. Criteria: CeGaT Center For Human Genetics Tuebingen Variant Classification Criteria Version 2. Collection method: clinical testing. Allele origin: germline. Affected: yes. Observed: 1 variant allele.
Comment: SLC6A8: BS2

Labcorp Genetics (formerly Invitae), Labcorp
Classification: Likely benign for Creatine transporter deficiency. Last evaluated: 2026-01-16. Review status: criteria provided, single submitter. Criteria: Invitae Variant Classification Sherloc (09022015). Collection method: clinical testing. Allele origin: germline.

GeneDx
Classification: Benign. Last evaluated: 2021-06-07. Review status: criteria provided, single submitter. Criteria: GeneDx Variant Classification Process June 2021. Collection method: clinical testing. Allele origin: germline. Affected: yes.
Comment: This variant is associated with the following publications: (PMID: 25861866)